The following is an entry in ClinVar:

NM_018082.6(POLR3B):c.3302T>C (p.Val1101Ala)

Genes: POLR3B (RNA polymerase III subunit B; plus strand), RFX4-AS1 (RFX4 antisense RNA 1; minus strand). Cytogenetic location: 12q23.3.
Variant type: single nucleotide variant.
Coding change: c.3302T>C on transcript NM_018082.6 (MANE Select); coding-DNA position 3302, T replaced by C.
Protein change: p.Val1101Ala; replaces valine 1101 with alanine.
Molecular consequence: missense variant.
Genome position (GRCh38, 1-based): chr12:106,509,449, T>C. VCF-style: chr12-106509449-T-C. GRCh37 (hg19) VCF-style: chr12-106903227-T-C.
Other names: c.3128T>C, p.Val1043Ala (NM_001160708.2); c.3302T>C (NM_018082.5); short protein forms V1043A, V1101A.
Identifiers: ClinVar variation 4535838 (VCV004535838.2).
Genomic context (GRCh38, chr12:106,509,449, plus strand): 5'-TCTGTCTAACGCTTGCTGACTTGCGTTTCAGGTGCCATTACTGCAAGTCATCCTGCCACG[T>C]GTCTTCCCTCCGTATTCCGTATGCCTGCAAGCTGCTCTTCCAGGAACTACAGTCTATGAA-3'
Protein context (NP_060552.4, residues 1091-1111): WCHYCKSSCH[Val1101Ala]SSLRIPYACK

ClinVar aggregate classification (germline): Uncertain significance. Review status: criteria provided, multiple submitters, no conflicts (2 of 4 stars). 2 submissions from 2 submitters: Uncertain significance (2). Last evaluated 2026-06-24.

Conditions:
Inborn genetic diseases. Identifiers: MedGen C0950123, MeSH D030342.

gnomAD v4.1: 6 of 1,613,852 alleles (0.00037%); highest among the groups gnomAD compares: African/African-American, 0.0067%; no homozygotes.

Submissions (2):

Ambry Genetics
Classification: Uncertain significance for Inborn genetic diseases. Last evaluated: 2026-06-24. Review status: criteria provided, single submitter. Criteria: Ambry Variant Classification Scheme 2023. Collection method: clinical testing. Allele origin: germline.
Comment: The c.3302T>C (p.V1101A) alteration is located in exon 28 (coding exon 28) of the POLR3B gene. This alteration results from a T to C substitution at nucleotide position 3302, causing the valine (V) at amino acid position 1101 to be replaced by an alanine (A). Based on data from gnomAD, the C allele has an overall frequency of <0.001% (1/251402) total alleles studied. The highest observed frequency was 0.006% (1/16256) of African alleles. Based on insufficient or conflicting evidence, the clinical significance of this alteration remains unclear.

Women's Health and Genetics/Laboratory Corporation of America, LabCorp
Classification: Uncertain significance. Last evaluated: 2025-09-04. Review status: criteria provided, single submitter. Criteria: LabCorp Variant Classification Summary - May 2015. Collection method: clinical testing. Allele origin: germline.
Comment: Variant summary: POLR3B c.3302T>C (p.Val1101Ala) results in a non-conservative amino acid change in the encoded protein sequence. Algorithms developed to predict the effect of missense changes on protein structure and function all suggest that this variant is likely to be disruptive. The variant allele was found at a frequency of 4e-06 in 251402 control chromosomes. The available data on variant occurrences in the general population are insufficient to allow any conclusion about variant significance. To our knowledge, no occurrence of c.3302T>C in individuals affected with POLR3B-related conditions and no experimental evidence demonstrating its impact on protein function have been reported. No submitters have cited clinical-significance assessments for this variant to ClinVar. Based on the evidence outlined above, the variant was classified as uncertain significance.